The following is an entry in ClinVar:

ClinVar aggregate classification (germline): Uncertain significance (1 of 4 stars; one submission).

Submission:

Dasa
Classification: Uncertain significance. Last evaluated: 2024-10-10. Review status: criteria provided, single submitter. Criteria: DASA Assertion Criteria. Collection method: clinical testing. Allele origin: germline.
Comment: NM_003718.5(CDK13):c.2862G>C (p.Lys954Asn) is a missense variant that results in the substitution of lysine with asparagine. This variant is absent from population databases. Computational prediction algorithms are consistent with a benign effect. The currently available literature and clinical evidence are not sufficient to establish a definitive association between this variant and the reported condition. Therefore, this variant is classified as a variant of uncertain significance.

NM_003718.5(CDK13):c.2862G>C (p.Lys954Asn)

Gene: CDK13 (cyclin dependent kinase 13; plus strand). Cytogenetic location: 7p14.1.
Variant type: single nucleotide variant.
Coding change: c.2862G>C on transcript NM_003718.5 (MANE Select); coding-DNA position 2862, G replaced by C.
Protein change: p.Lys954Asn; replaces lysine 954 with asparagine.
Molecular consequence: missense variant.
Genome position (GRCh38, 1-based): chr7:40,078,086, G>C. VCF-style: chr7-40078086-G-C. GRCh37 (hg19) VCF-style: chr7-40117685-G-C.
Other names: c.2862G>C, p.Lys954Asn (NM_031267.4); short protein forms K954N.
Identifiers: ClinVar variation 4884991 (VCV004884991.2).